The following is an entry in ClinVar:

NM_000489.6(ATRX):c.3853T>C (p.Ser1285Pro)

Gene: ATRX (ATRX chromatin remodeler; minus strand). Cytogenetic location: Xq21.1.
Variant type: single nucleotide variant.
Coding change: c.3853T>C on transcript NM_000489.6 (MANE Select); coding-DNA position 3853, T replaced by C.
Protein change: p.Ser1285Pro; replaces serine 1285 with proline.
Molecular consequence: missense variant.
Genome position (GRCh38, 1-based): chrX:77,664,735, A>G on the plus strand (T>C on the coding strand, the complement: ATRX is on the minus strand). VCF-style: chrX-77664735-A-G. GRCh37 (hg19) VCF-style: chrX-76920224-A-G.
Other names: c.3739T>C, p.Ser1247Pro (NM_138270.5); short protein forms S1247P, S1285P.
Identifiers: ClinVar variation 3253244 (VCV003253244.2), dbSNP rs2148498031.

ClinVar aggregate classification (germline): Uncertain significance (1 of 4 stars; one submission).

Allele frequency attached by ClinVar (database versions not stated): gnomAD exomes below 0.00001.
gnomAD v4.1: 1 of 1,208,715 alleles (0.000083%); highest among the groups gnomAD compares: Non-Finnish European, 0.00011%; no homozygotes.

Submission:

GeneDx
Classification: Uncertain significance. Last evaluated: 2025-09-29. Review status: criteria provided, single submitter. Criteria: GeneDx Variant Classification Process June 2021. Collection method: clinical testing. Allele origin: germline.
Comment: Not observed at significant frequency in large population cohorts (gnomAD); In silico analysis supports that this missense variant has a deleterious effect on protein structure/function; Has not been previously published as pathogenic or benign to our knowledge